The following is an entry in ClinVar:

ClinVar aggregate classification (germline): Uncertain significance (1 of 4 stars; one submission).

Conditions:
Developmental and epileptic encephalopathy, 14 (DEE14). Also called: Early infantile epileptic encephalopathy 14. Identifiers: Orphanet 293181, MedGen C3554195, MONDO:0013989, OMIM 614959.

Submission:

Institute of Human Genetics, University of Leipzig Medical Center
Classification: Uncertain significance for Developmental and epileptic encephalopathy, 14. Last evaluated: 2024-07-10. Review status: criteria provided, single submitter. Criteria: ACMG Guidelines, 2015. Collection method: clinical testing. Allele origin: unknown. Inheritance: Autosomal dominant inheritance. Affected: yes.
Comment: Criteria applied: PM2,PP2,PP3

NM_020822.3(KCNT1):c.2915T>A (p.Ile972Asn)

Gene: KCNT1 (potassium sodium-activated channel subfamily T member 1; plus strand). Cytogenetic location: 9q34.3.
Variant type: single nucleotide variant.
Coding change: c.2915T>A on transcript NM_020822.3 (MANE Select); coding-DNA position 2915, T replaced by A.
Protein change: p.Ile972Asn; replaces isoleucine 972 with asparagine.
Molecular consequence: missense variant.
Genome position (GRCh38, 1-based): chr9:135,784,097, T>A. VCF-style: chr9-135784097-T-A. GRCh37 (hg19) VCF-style: chr9-138675943-T-A.
Other names: c.2780T>A, p.Ile927Asn (NM_001272003.2); short protein forms I927N, I972N.
Identifiers: ClinVar variation 3359003 (VCV003359003.2).
Genomic context (GRCh38, chr9:135,784,097, plus strand): 5'-ATGGCTCCAACCTGGCCTTCATGTTCCGCCTGCCGTTCGCCGCCGGCCGCGTCTTCAGCA[T>A]CAGCATGTTGGACACACTGCTCTACCAGGTCAGCGGGGAAGCGGCAGCAGGAGGGTGGCG-3'
Protein context (NP_065873.2, residues 962-982): LPFAAGRVFS[Ile972Asn]SMLDTLLYQS